The following is an entry in ClinVar:

ClinVar aggregate classification (germline): Uncertain significance. Review status: criteria provided, multiple submitters, no conflicts (2 of 4 stars). 3 submissions from 3 submitters: Uncertain significance (2). 1 of the submissions does not count toward it. Last evaluated 2025-10-15.

Conditions:
Pendred syndrome (PDS). Also called: DEAFNESS WITH GOITER; GOITER-DEAFNESS SYNDROME; HYPOTHYROIDISM, CONGENITAL, DUE TO DYSHORMONOGENESIS, 2B; Pendred Syndrome (PDS); THYROID DYSHORMONOGENESIS 2B; THYROID HORMONOGENESIS, GENETIC DEFECT IN, 2B. Identifiers: Orphanet 705, MedGen C0271829, MONDO:0010134, OMIM 274600.

Allele frequency attached by ClinVar (database versions not stated): ExAC 0.00002; gnomAD 0.00002 and 0.00003; gnomAD exomes 0.00002; TOPMed 0.00003; 1000 Genomes Project 0.00020; 1000 Genomes Project 30x 0.00031.
gnomAD v4.1: 59 of 1,613,988 alleles (0.0037%); highest among the groups gnomAD compares: Non-Finnish European, 0.0047%; no homozygotes.

Submissions (3):

GeneDx
Classification: Uncertain significance. Last evaluated: 2025-10-15. Review status: criteria provided, single submitter. Criteria: GeneDx Variant Classification Process June 2021. Collection method: clinical testing. Allele origin: germline. Affected: yes.
Comment: Not observed at significant frequency in large population cohorts (gnomAD); In silico analysis suggests that this missense variant does not alter protein structure/function; Has not been previously published as pathogenic or benign to our knowledge

Blueprint Genetics
Classification: Uncertain significance. Last evaluated: 2024-10-07. Review status: criteria provided, single submitter. Criteria: ACMG Guidelines, 2015. Collection method: clinical testing. Allele origin: germline.

Natera, Inc.
Classification: Uncertain significance for Pendred syndrome. Last evaluated: 2020-01-24. Review status: no assertion criteria provided. Collection method: clinical testing. Allele origin: germline. Not counted in ClinVar's aggregate classification.

NM_000441.2(SLC26A4):c.1047G>A (p.Met349Ile)

Gene: SLC26A4 (solute carrier family 26 member 4; plus strand). Cytogenetic location: 7q22.3.
Variant type: single nucleotide variant.
Coding change: c.1047G>A on transcript NM_000441.2 (MANE Select); coding-DNA position 1047, G replaced by A.
Protein change: p.Met349Ile; replaces methionine 349 with isoleucine.
Molecular consequence: missense variant.
Genome position (GRCh38, 1-based): chr7:107,689,098, G>A. VCF-style: chr7-107689098-G-A. GRCh37 (hg19) VCF-style: chr7-107329543-G-A.
Other names: short protein forms M349I.
Identifiers: ClinVar variation 1214607 (VCV001214607.6), dbSNP rs180671153, ClinGen allele CA4432667.